The following is an entry in ClinVar:

ClinVar aggregate classification (germline): Pathogenic (1 of 4 stars; one submission).

Conditions:
Early-infantile DEE. Also called: Early infantile epileptic encephalopathy with suppression bursts; Early infantile epileptic encephalopathy; Ohtahara syndrome. Identifiers: Orphanet 1934, MedGen C0393706, MONDO:0800491.

Submission:

Labcorp Genetics (formerly Invitae), Labcorp
Classification: Pathogenic for Early-infantile DEE. Last evaluated: 2022-09-18. Review status: criteria provided, single submitter. Criteria: Invitae Variant Classification Sherloc (09022015). Collection method: clinical testing. Allele origin: germline.
Comment: For these reasons, this variant has been classified as Pathogenic. This variant disrupts the p.Ala1724 amino acid residue in SCN1A. Other variant(s) that disrupt this residue have been determined to be pathogenic (PMID: 28012175, 30185235). This suggests that this residue is clinically significant, and that variants that disrupt this residue are likely to be disease-causing. Advanced modeling of protein sequence and biophysical properties (such as structural, functional, and spatial information, amino acid conservation, physicochemical variation, residue mobility, and thermodynamic stability) performed at Invitae indicates that this missense variant is expected to disrupt SCN1A protein function. This missense change has been observed in individual(s) with Dravet syndrome (PMID: 28012175, 31031587). In at least one individual the variant was observed to be de novo. This variant is not present in population databases (gnomAD no frequency). This sequence change replaces alanine, which is neutral and non-polar, with threonine, which is neutral and polar, at codon 1724 of the SCN1A protein (p.Ala1724Thr).

Literature cited by the submitters: PubMed 28012175; PubMed 30185235; PubMed 31031587.

NM_001165963.4(SCN1A):c.5170G>A (p.Ala1724Thr)

Genes: SCN1A (sodium voltage-gated channel alpha subunit 1; minus strand), LOC102724058 (uncharacterized LOC102724058; plus strand). Cytogenetic location: 2q24.3.
Variant type: single nucleotide variant.
Coding change: c.5170G>A on transcript NM_001165963.4 (MANE Select); coding-DNA position 5170, G replaced by A.
Protein change: p.Ala1724Thr; replaces alanine 1724 with threonine.
Molecular consequence: missense variant. On other transcripts: non-coding transcript variant (1).
Genome position (GRCh38, 1-based): chr2:165,992,105, C>T on the plus strand (G>A on the coding strand, the complement: SCN1A is on the minus strand). VCF-style: chr2-165992105-C-T. GRCh37 (hg19) VCF-style: chr2-166848615-C-T.
Other names: c.5086G>A, p.Ala1696Thr (NM_001165964.3, NM_001353957.2, NM_001353958.2); c.5170G>A, p.Ala1724Thr (NM_001202435.3, NM_001353948.2); c.5137G>A, p.Ala1713Thr (NM_001353949.2, NM_001353950.2, NM_001353951.2 and 2 more transcripts); c.5134G>A, p.Ala1712Thr (NM_001353954.2, NM_001353955.2); c.5083G>A, p.Ala1695Thr (NM_001353960.2); c.2728G>A, p.Ala910Thr (NM_001353961.2); short protein forms A1724T, A1695T, A1696T, A1713T, A1712T, A910T.
Identifiers: ClinVar variation 2203171 (VCV002203171.4), dbSNP rs2468336343, ClinGen allele CA349068806.